The following is an entry in ClinVar:

NM_001283009.2(RTEL1):c.971G>T (p.Arg324Leu)

Genes: RTEL1-TNFRSF6B (RTEL1-TNFRSF6B readthrough (NMD candidate); plus strand), RTEL1 (regulator of telomere elongation helicase 1; plus strand). Cytogenetic location: 20q13.33.
Variant type: single nucleotide variant.
Coding change: c.971G>T on transcript NM_001283009.2 (MANE Select); coding-DNA position 971, G replaced by T.
Protein change: p.Arg324Leu; replaces arginine 324 with leucine.
Molecular consequence: missense variant. On other transcripts: non-coding transcript variant (1).
Genome position (GRCh38, 1-based): chr20:63,678,280, G>T. VCF-style: chr20-63678280-G-T. GRCh37 (hg19) VCF-style: chr20-62309633-G-T.
Other names: c.302G>T, p.Arg101Leu (NM_001283010.1); c.971G>T, p.Arg324Leu (NM_016434.4); c.1043G>T, p.Arg348Leu (NM_032957.5); short protein forms R348L, R101L, R324L.
Identifiers: ClinVar variation 1379277 (VCV001379277.6), dbSNP rs113684274, ClinGen allele CA9964548.

ClinVar aggregate classification (germline): Uncertain significance (1 of 4 stars; one submission).

Conditions:
Dyskeratosis congenita, autosomal recessive 5 (DKCB5). Identifiers: MedGen C3554656, MONDO:0014076, OMIM 615190.
Pulmonary fibrosis and/or bone marrow failure, Telomere-related, 3. Also called: PULMONARY FIBROSIS AND/OR BONE MARROW FAILURE SYNDROME, TELOMERE-RELATED, 3. Identifiers: Orphanet 2032, MedGen C4225346, MONDO:0014613, OMIM 616373.

gnomAD v4.1: 22 of 1,612,538 alleles (0.0014%); highest among the groups gnomAD compares: Admixed American, 0.0017%; no homozygotes.

Submission:

Labcorp Genetics (formerly Invitae), Labcorp
Classification: Uncertain significance for Dyskeratosis congenita, autosomal recessive 5; Pulmonary fibrosis and/or bone marrow failure, Telomere-related, 3. Last evaluated: 2025-08-13. Review status: criteria provided, single submitter. Criteria: Invitae Variant Classification Sherloc (09022015). Collection method: clinical testing. Allele origin: germline.
Comment: This sequence change replaces arginine, which is basic and polar, with leucine, which is neutral and non-polar, at codon 324 of the RTEL1 protein (p.Arg324Leu). This variant is present in population databases (rs113684274, gnomAD 0.01%). This variant has not been reported in the literature in individuals affected with RTEL1-related conditions. ClinVar contains an entry for this variant (Variation ID: 1379277). An algorithm developed to predict the effect of missense changes on protein structure and function (PolyPhen-2) suggests that this variant is likely to be tolerated. In summary, the available evidence is currently insufficient to determine the role of this variant in disease. Therefore, it has been classified as a Variant of Uncertain Significance.